The following is an entry in ClinVar:

ClinVar aggregate classification (germline): Uncertain significance (1 of 4 stars; one submission).

Conditions:
Hereditary cancer-predisposing syndrome. Also called: Neoplastic Syndromes, Hereditary; Hereditary neoplastic syndrome; Tumor predisposition; Hereditary Cancer Syndrome. Identifiers: Orphanet 140162, MedGen C0027672, MeSH D009386, MONDO:0015356.

Submission:

Ambry Genetics
Classification: Uncertain significance for Hereditary cancer-predisposing syndrome. Last evaluated: 2022-11-17. Review status: criteria provided, single submitter. Criteria: Ambry Variant Classification Scheme 2023. Collection method: clinical testing. Allele origin: germline.
Comment: The p.L204H variant (also known as c.611T>A), located in coding exon 6 of the FANCC gene, results from a T to A substitution at nucleotide position 611. The leucine at codon 204 is replaced by histidine, an amino acid with similar properties. This amino acid position is conserved. In addition, this alteration is predicted to be deleterious by in silico analysis. Since supporting evidence is limited at this time, the clinical significance of this alteration remains unclear.

NM_000136.3(FANCC):c.611T>A (p.Leu204His)

Genes: FANCC (FA complementation group C; minus strand), AOPEP (aminopeptidase O (putative); plus strand). Cytogenetic location: 9q22.32.
Variant type: single nucleotide variant.
Coding change: c.611T>A on transcript NM_000136.3 (MANE Select); coding-DNA position 611, T replaced by A.
Protein change: p.Leu204His; replaces leucine 204 with histidine.
Molecular consequence: missense variant.
Genome position (GRCh38, 1-based): chr9:95,149,998, A>T on the plus strand (T>A on the coding strand, the complement: FANCC is on the minus strand). VCF-style: chr9-95149998-A-T. GRCh37 (hg19) VCF-style: chr9-97912280-A-T.
Other names: c.611T>A, p.Leu204His (NM_001243743.2, NM_001243744.2); short protein forms L204H.
Identifiers: ClinVar variation 2463110 (VCV002463110.2), dbSNP rs2541699061, ClinGen allele CA374109670.